The following is an entry in ClinVar:

NM_001040108.2(MLH3):c.1658_1659del (p.Arg553fs)

Gene: MLH3 (mutL homolog 3; minus strand). Cytogenetic location: 14q24.3.
Variant type: Microsatellite.
Coding change: c.1658_1659del on transcript NM_001040108.2 (MANE Select); coding-DNA positions 1658 to 1659, 2 bases deleted (GA; older notation c.1658_1659delGA).
Protein change: p.Arg553fs; shifts the reading frame from arginine 553.
Molecular consequence: frameshift variant.
Genome position (GRCh38, 1-based): chr14:75,047,997-75,047,998, TC deleted on the plus strand (GA on the coding strand, the reverse complement: MLH3 is on the minus strand); deleting any 2 consecutive bases within chr14:75,047,997-75,048,001 gives the same sequence; the c. name uses the placement nearest the transcript's 3' end. VCF-style (leftmost placement, unchanged base first): chr14-75047996-ATC-A. GRCh37 (hg19) VCF-style: chr14-75514699-ATC-A.
Other names: c.1658_1659delGA (NM_001040108.1); c.1655_1656AG[1], p.Arg553Ilefs (NM_001040108.1); c.1658_1659del, p.Arg553fs (NM_014381.3); short protein forms R553fs.
Identifiers: ClinVar variation 3396763 (VCV003396763.2).

ClinVar aggregate classification (germline): Pathogenic (1 of 4 stars; one submission).

Submission:

Ambry Genetics
Classification: Pathogenic. Last evaluated: 2026-06-03. Review status: criteria provided, single submitter. Criteria: Ambry Variant Classification Scheme 2023. Collection method: clinical testing. Allele origin: germline.
Comment: The c.1658_1659delGA pathogenic mutation, located in coding exon 1 of the MLH3 gene, results from a deletion of two nucleotides at nucleotide positions 1658 to 1659, causing a translational frameshift with a predicted alternate stop codon (p.R553Ifs*2). This variant is considered to be rare based on population cohorts in the Genome Aggregation Database (gnomAD). This alteration is expected to result in loss of function by premature protein truncation or nonsense-mediated mRNA decay. As such, this alteration is interpreted as a disease-causing mutation.